The following is an entry in ClinVar:

ClinVar aggregate classification (germline): Conflicting classifications of pathogenicity. Review status: criteria provided, conflicting classifications (1 of 4 stars). 2 submissions from 2 submitters: Likely pathogenic (1); Uncertain significance (1). Last evaluated 2025-09-09.

Allele frequency attached by ClinVar (database versions not stated): ExAC 0.00002; gnomAD exomes 0.00003 and 0.00004; TOPMed 0.00004; gnomAD 0.00005.
gnomAD v4.1: 60 of 1,614,030 alleles (0.0037%); highest among the groups gnomAD compares: Non-Finnish European, 0.0049%; no homozygotes.

Submissions (2):

Labcorp Genetics (formerly Invitae), Labcorp
Classification: Likely pathogenic. Last evaluated: 2025-09-09. Review status: criteria provided, single submitter. Criteria: Invitae Variant Classification Sherloc (09022015). Collection method: clinical testing. Allele origin: germline.
Comment: This sequence change affects an acceptor splice site in intron 1 of the IDH3B gene. It is expected to disrupt RNA splicing. Variants that disrupt the donor or acceptor splice site typically lead to a loss of protein function (PMID: 16199547), and loss-of-function variants in IDH3B are known to be pathogenic (PMID: 18806796). This variant is present in population databases (rs751526607, gnomAD 0.006%). This variant has not been reported in the literature in individuals affected with IDH3B-related conditions. ClinVar contains an entry for this variant (Variation ID: 844301). Algorithms developed to predict the effect of sequence changes on RNA splicing suggest that this variant may disrupt the consensus splice site. In summary, the currently available evidence indicates that the variant is pathogenic, but additional data are needed to prove that conclusively. Therefore, this variant has been classified as Likely Pathogenic.

Blueprint Genetics
Classification: Uncertain significance. Last evaluated: 2020-11-26. Review status: criteria provided, single submitter. Criteria: ACMG Guidelines, 2015. Collection method: clinical testing. Allele origin: germline.

Literature cited by the submitters: PubMed 16199547 (cited by Labcorp Genetics (formerly Invitae), Labcorp); PubMed 18806796 (cited by Labcorp Genetics (formerly Invitae), Labcorp).

NM_006899.5(IDH3B):c.37-1G>A

Gene: IDH3B (isocitrate dehydrogenase (NAD(+)) 3 non-catalytic subunit beta; minus strand). Cytogenetic location: 20p13.
Variant type: single nucleotide variant.
Coding change: c.37-1G>A on transcript NM_006899.5 (MANE Select); the canonical splice acceptor site of the intron before coding-DNA position 37, G replaced by A.
Molecular consequence: splice acceptor variant.
Genome position (GRCh38, 1-based): chr20:2,664,006, C>T on the plus strand (G>A on the coding strand, the complement: IDH3B is on the minus strand). VCF-style: chr20-2664006-C-T. GRCh37 (hg19) VCF-style: chr20-2644652-C-T.
Other names: c.37-1G>A (NM_174855.4, NM_001330763.2, NM_001258384.3).
Identifiers: ClinVar variation 844301 (VCV000844301.9), dbSNP rs751526607, ClinGen allele CA9735435.